The following is an entry in ClinVar:

ClinVar aggregate classification (germline): Likely benign (1 of 4 stars; one submission).

Allele frequency attached by ClinVar (database versions not stated): 1000 Genomes Project 0.00040; TOPMed 0.00045; gnomAD 0.00056; 1000 Genomes Project 30x 0.00062; ExAC 0.00063; ESP Exome Variant Server 0.00069; gnomAD exomes 0.00081.
gnomAD v4.1: 1,312 of 1,612,520 alleles (0.081%); highest among the groups gnomAD compares: Middle Eastern, 0.22%; 1 homozygote.

Submission:

CeGaT Center for Human Genetics Tuebingen
Classification: Likely benign. Last evaluated: 2022-12-01. Review status: criteria provided, single submitter. Criteria: CeGaT Center For Human Genetics Tuebingen Variant Classification Criteria Version 2. Collection method: clinical testing. Allele origin: germline. Affected: yes. Observed: 1 variant allele.
Comment: TBC1D9B: BP4, BP7

NM_015043.4(TBC1D9B):c.1803G>A (p.Ser601=)

Genes: TBC1D9B (TBC1 domain family member 9B; minus strand), LOC126807627 (CDK7 strongly-dependent group 2 enhancer GRCh37_chr5:179302124-179303323; plus strand). Cytogenetic location: 5q35.3.
Variant type: single nucleotide variant.
Coding change: c.1803G>A on transcript NM_015043.4 (MANE Select); coding-DNA position 1803, G replaced by A.
Protein change: p.Ser601=; no amino-acid change (serine 601 retained).
Molecular consequence: synonymous variant.
Genome position (GRCh38, 1-based): chr5:179,876,017, C>T on the plus strand (G>A on the coding strand, the complement: TBC1D9B is on the minus strand). VCF-style: chr5-179876017-C-T. GRCh37 (hg19) VCF-style: chr5-179303017-C-T.
Other names: c.1803G>A, p.Ser601= (NM_198868.3).
Identifiers: ClinVar variation 2656142 (VCV002656142.24), dbSNP rs148803218, ClinGen allele CA3602213.